The following is an entry in ClinVar:

ClinVar aggregate classification (germline): Likely benign. Review status: criteria provided, multiple submitters, no conflicts (2 of 4 stars). 2 submissions from 2 submitters: Likely benign (2). Last evaluated 2025-06-01.

Submissions (2):

CeGaT Center for Human Genetics Tuebingen
Classification: Likely benign. Last evaluated: 2025-06-01. Review status: criteria provided, single submitter. Criteria: CeGaT Center For Human Genetics Tuebingen Variant Classification Criteria Version 2. Collection method: clinical testing. Allele origin: germline. Affected: yes. Observed: 1 variant allele.
Comment: FLG: BP4, BP7

Blueprint Genetics
Classification: Likely benign. Last evaluated: 2024-09-25. Review status: criteria provided, single submitter. Criteria: ACMG Guidelines, 2015. Collection method: clinical testing. Allele origin: germline.

NM_002016.2(FLG):c.8934T>C (p.His2978=)

Genes: CCDST (cervical cancer associated DHX9 suppressive transcript; plus strand), FLG (filaggrin; minus strand). Cytogenetic location: 1q21.3.
Variant type: single nucleotide variant.
Coding change: c.8934T>C on transcript NM_002016.2 (MANE Select); coding-DNA position 8934, T replaced by C.
Protein change: p.His2978=; no amino-acid change (histidine 2978 retained).
Molecular consequence: synonymous variant.
Genome position (GRCh38, 1-based): chr1:152,305,952, A>G on the plus strand (T>C on the coding strand, the complement: FLG is on the minus strand). VCF-style: chr1-152305952-A-G. GRCh37 (hg19) VCF-style: chr1-152278428-A-G.
Identifiers: ClinVar variation 3905270 (VCV003905270.11).